The following is an entry in ClinVar:

ClinVar aggregate classification (germline): Benign. Review status: criteria provided, single submitter (1 of 4 stars). 2 submissions from 2 submitters: Benign (1). 1 of the submissions does not count toward it. Last evaluated 2026-02-01.

Conditions:
KMT2E-related disorder. Also called: KMT2E-related condition.

Allele frequency attached by ClinVar (database versions not stated): ESP Exome Variant Server 0.00023; gnomAD exomes 0.00165 and 0.00508; gnomAD 0.00312 and 0.00338; TOPMed 0.00385; ExAC 0.00450; 1000 Genomes Project 30x 0.00562; 1000 Genomes Project 0.00579.

Submissions (2):

Labcorp Genetics (formerly Invitae), Labcorp
Classification: Benign. Last evaluated: 2026-02-01. Review status: criteria provided, single submitter. Criteria: Invitae Variant Classification Sherloc (09022015). Collection method: clinical testing. Allele origin: germline.

PreventionGenetics, part of Exact Sciences
Classification: Benign for KMT2E-related condition. Last evaluated: 2020-10-13. Review status: no assertion criteria provided. Collection method: clinical testing. Allele origin: germline. Not counted in ClinVar's aggregate classification.
Comment: This variant is classified as benign based on ACMG/AMP sequence variant interpretation guidelines (Richards et al. 2015 PMID: 25741868, with internal and published modifications).

NM_182931.3(KMT2E):c.498-7A>G

Gene: KMT2E (lysine methyltransferase 2E (inactive); plus strand). Cytogenetic location: 7q22.3.
Variant type: single nucleotide variant.
Coding change: c.498-7A>G on transcript NM_182931.3 (MANE Select); 7 bases into the intron before coding-DNA position 498, A replaced by G.
Molecular consequence: intron variant.
Genome position (GRCh38, 1-based): chr7:105,073,612, A>G. VCF-style: chr7-105073612-A-G. GRCh37 (hg19) VCF-style: chr7-104714059-A-G.
Other names: c.498-7A>G (NM_018682.4, NM_182931.2).
Identifiers: ClinVar variation 1599606 (VCV001599606.10), dbSNP rs117695886, ClinGen allele CA4423731.
Genomic context (GRCh38, chr7:105,073,612, plus strand): 5'-TTTATCACATTTAAGACAGATCTGCTTCATGTATTTGATAAATAATTATGCTAATTTTTT[A>G]ATGTAGGAATTTGGATAAAGAGAGGGCAGTGCTACTACAACGCCGGAAAAGGGAAAATAT-3'